The following is an entry in ClinVar:

NM_182493.3(MYLK3):c.451G>C (p.Gly151Arg)

Gene: MYLK3 (myosin light chain kinase 3; minus strand). Cytogenetic location: 16q11.2.
Variant type: single nucleotide variant.
Coding change: c.451G>C on transcript NM_182493.3 (MANE Select); coding-DNA position 451, G replaced by C.
Protein change: p.Gly151Arg; replaces glycine 151 with arginine.
Molecular consequence: missense variant. On other transcripts: intron variant (1).
Genome position (GRCh38, 1-based): chr16:46,747,743, C>G on the plus strand (G>C on the coding strand, the complement: MYLK3 is on the minus strand). VCF-style: chr16-46747743-C-G. GRCh37 (hg19) VCF-style: chr16-46781655-C-G.
Other names: c.-113-7596G>C (NM_001308301.1); short protein forms G151R.
Identifiers: ClinVar variation 3640161 (VCV003640161.2).

ClinVar aggregate classification (germline): Uncertain significance (1 of 4 stars; one submission).

gnomAD v4.1: 5 of 1,614,014 alleles (0.00031%); highest among the groups gnomAD compares: Non-Finnish European, 0.00042%; no homozygotes.

Submission:

Labcorp Genetics (formerly Invitae), Labcorp
Classification: Uncertain significance. Last evaluated: 2024-02-11. Review status: criteria provided, single submitter. Criteria: Invitae Variant Classification Sherloc (09022015). Collection method: clinical testing. Allele origin: germline.
Comment: This sequence change replaces glycine, which is neutral and non-polar, with arginine, which is basic and polar, at codon 151 of the MYLK3 protein (p.Gly151Arg). This variant is not present in population databases (gnomAD no frequency). This variant has not been reported in the literature in individuals affected with MYLK3-related conditions. An algorithm developed to predict the effect of missense changes on protein structure and function (PolyPhen-2) suggests that this variant is likely to be disruptive. In summary, the available evidence is currently insufficient to determine the role of this variant in disease. Therefore, it has been classified as a Variant of Uncertain Significance.